The following is an entry in ClinVar:

ClinVar aggregate classification (germline): Likely benign. Review status: criteria provided, multiple submitters, no conflicts (2 of 4 stars). 4 submissions from 4 submitters: Likely benign (4). Last evaluated 2025-12-13.

Allele frequency attached by ClinVar (database versions not stated): gnomAD 0.00001; gnomAD exomes 0.00001; TOPMed 0.00003.
gnomAD v4.1: 6 of 1,373,980 alleles (0.00044%); highest among the groups gnomAD compares: East Asian, 0.011%; no homozygotes.

Submissions (4):

Labcorp Genetics (formerly Invitae), Labcorp
Classification: Likely benign. Last evaluated: 2025-12-13. Review status: criteria provided, single submitter. Criteria: Invitae Variant Classification Sherloc (09022015). Collection method: clinical testing. Allele origin: germline.

Quest Diagnostics Nichols Institute San Juan Capistrano
Classification: Likely benign. Last evaluated: 2025-03-26. Review status: criteria provided, single submitter. Criteria: Quest Diagnostics criteria. Collection method: clinical testing. Allele origin: unknown.

Women's Health and Genetics/Laboratory Corporation of America, LabCorp
Classification: Likely benign. Last evaluated: 2025-01-08. Review status: criteria provided, single submitter. Criteria: LabCorp Variant Classification Summary - May 2015. Collection method: clinical testing. Allele origin: germline.
Comment: Variant summary: HBB c.316-90A>G is located at a position not widely known to affect splicing. Consensus agreement among computation tools predict no significant impact on normal splicing. However, these predictions have yet to be confirmed by functional studies. The variant allele was found at a frequency of 4.4e-06 in 1367422 control chromosomes. The available data on variant occurrences in the general population are insufficient to allow any conclusion about variant significance. c.316-90A>G has been reported in the literature in individuals affected with Hemoglobinopathy, but in most cases geno-/phenotype details were not specified (e.g. Shang_2017, Zhang_2019, Zhao_2019, Liang_2023, Chan_2010; HbVar, IthaNet). These report(s) do not provide unequivocal conclusions about association of the variant with Hemoglobinopathy. To our knowledge, no experimental evidence demonstrating an impact on protein function has been reported. The following publications have been ascertained in the context of this evaluation (PMID: 20395516, 36683393, 28865746, 31286593, 30275481). ClinVar contains an entry for this variant (Variation ID: 994010). Based on the evidence outlined above, the variant was classified as likely benign.

ARUP Laboratories, Molecular Genetics and Genomics, ARUP Laboratories
Classification: Likely benign. Last evaluated: 2019-07-25. Review status: criteria provided, single submitter. Criteria: ARUP Molecular Germline Variant Investigation Process. Collection method: clinical testing. Allele origin: germline.

Literature cited by the submitters: PubMed 20395516 (cited by Quest Diagnostics Nichols Institute San Juan Capistrano and Women's Health and Genetics/Laboratory Corporation of America, LabCorp); PubMed 28865746 (cited by Quest Diagnostics Nichols Institute San Juan Capistrano and Women's Health and Genetics/Laboratory Corporation of America, LabCorp); PubMed 30275481 (cited by Women's Health and Genetics/Laboratory Corporation of America, LabCorp); PubMed 31286593 (cited by Women's Health and Genetics/Laboratory Corporation of America, LabCorp); PubMed 36683393 (cited by Women's Health and Genetics/Laboratory Corporation of America, LabCorp).

NM_000518.5(HBB):c.316-90A>G

Genes: HBB (hemoglobin subunit beta; minus strand), LOC107133510 (origin of replication at HBB; plus strand), LOC110006319 (beta-globin gene 3' regulatory region; plus strand). Cytogenetic location: 11p15.4.
Variant type: single nucleotide variant.
Coding change: c.316-90A>G on transcript NM_000518.5 (MANE Select); 90 bases into the intron before coding-DNA position 316, A replaced by G.
Molecular consequence: intron variant.
Genome position (GRCh38, 1-based): chr11:5,225,816, T>C on the plus strand (A>G on the coding strand, the complement: HBB is on the minus strand). VCF-style: chr11-5225816-T-C. GRCh37 (hg19) VCF-style: chr11-5247046-T-C.
Other names: c.316-90A>G (NM_000518.4).
Identifiers: ClinVar variation 994010 (VCV000994010.20), dbSNP rs63750433, ClinGen allele CA217112953.